The following is an entry in ClinVar:

ClinVar aggregate classification (germline): Benign. Review status: criteria provided, multiple submitters, no conflicts (2 of 4 stars). 3 submissions from 3 submitters: Benign (2). 1 of the submissions does not count toward it. Last evaluated 2026-02-27.

Conditions:
S1PR2-related disorder. Also called: S1PR2-related condition.

Allele frequency attached by ClinVar (database versions not stated): TOPMed 0.00005; 1000 Genomes Project 30x 0.00016; 1000 Genomes Project 0.00020; gnomAD exomes 0.00031 and 0.00044; ExAC 0.00046.
gnomAD v4.1: 646 of 1,612,616 alleles (0.04%); highest among the groups gnomAD compares: East Asian, 1.4%; 10 homozygotes.

Submissions (3):

Women's Health and Genetics/Laboratory Corporation of America, LabCorp
Classification: Benign. Last evaluated: 2026-02-27. Review status: criteria provided, single submitter. Criteria: LabCorp Variant Classification Summary - May 2015. Collection method: clinical testing. Allele origin: germline.
Comment: Variant summary: S1PR2 c.882C>T alters a conserved nucleotide resulting in a synonymous change. Consensus agreement among computation tools predict no significant impact on normal splicing. However, these predictions have yet to be confirmed by functional studies. The variant allele was found at a frequency of 0.00031 in 246344 control chromosomes, predominantly at a frequency of 0.0034 within the East Asian subpopulation in the gnomAD database, including 1 homozygotes. The observed variant frequency within East Asian control individuals in the gnomAD database exceeds the estimated maximal expected allele frequency for disease-causing variants in S1PR2. To our knowledge, no occurrence of c.882C>T in individuals affected with S1PR2-related conditions and no experimental evidence demonstrating its impact on protein function have been reported. ClinVar contains an entry for this variant (Variation ID: 732065). Based on the evidence outlined above, the variant was classified as benign.

Labcorp Genetics (formerly Invitae), Labcorp
Classification: Benign. Last evaluated: 2025-12-03. Review status: criteria provided, single submitter. Criteria: Invitae Variant Classification Sherloc (09022015). Collection method: clinical testing. Allele origin: germline.

PreventionGenetics, part of Exact Sciences
Classification: Likely benign for S1PR2-related condition. Last evaluated: 2020-02-19. Review status: no assertion criteria provided. Collection method: clinical testing. Allele origin: germline. Not counted in ClinVar's aggregate classification.
Comment: This variant is classified as likely benign based on ACMG/AMP sequence variant interpretation guidelines (Richards et al. 2015 PMID: 25741868, with internal and published modifications).

NM_004230.4(S1PR2):c.882C>T (p.Asp294=)

Gene: S1PR2 (sphingosine-1-phosphate receptor 2; minus strand). Cytogenetic location: 19p13.2.
Variant type: single nucleotide variant.
Coding change: c.882C>T on transcript NM_004230.4 (MANE Select); coding-DNA position 882, C replaced by T.
Protein change: p.Asp294=; no amino-acid change (aspartic acid 294 retained).
Molecular consequence: synonymous variant.
Genome position (GRCh38, 1-based): chr19:10,224,024, G>A on the plus strand (C>T on the coding strand, the complement: S1PR2 is on the minus strand). VCF-style: chr19-10224024-G-A. GRCh37 (hg19) VCF-style: chr19-10334700-G-A.
Identifiers: ClinVar variation 732065 (VCV000732065.12), dbSNP rs35493500, ClinGen allele CA9188997.